The following is an entry in ClinVar:

ClinVar aggregate classification (germline): Uncertain significance (1 of 4 stars; one submission).

Conditions:
Arrhythmogenic right ventricular dysplasia 8 (ARVD8). Also called: Arrhythmogenic Right Ventricular Dysplasia/Cardiomyopathy 8; ARRHYTHMOGENIC RIGHT VENTRICULAR DYSPLASIA, FAMILIAL, 8; ARRHYTHMOGENIC RIGHT VENTRICULAR CARDIOMYOPATHY 8. Identifiers: MedGen C1843896, MONDO:0011831, OMIM 607450.
Arrhythmogenic cardiomyopathy with wooly hair and keratoderma. Also called: PALMOPLANTAR KERATODERMA WITH LEFT VENTRICULAR CARDIOMYOPATHY AND WOOLLY HAIR; Dilated cardiomyopathy with woolly hair and keratoderma; Carvajal syndrome; Arrhythmogenic cardiomyopathy with woolly hair and keratoderma. Identifiers: Orphanet 65282, MedGen C1854063, MONDO:0011581, OMIM 605676.

Submission:

Labcorp Genetics (formerly Invitae), Labcorp
Classification: Uncertain significance for Arrhythmogenic cardiomyopathy with wooly hair and keratoderma; Arrhythmogenic right ventricular dysplasia 8. Last evaluated: 2022-01-06. Review status: criteria provided, single submitter. Criteria: Invitae Variant Classification Sherloc (09022015). Collection method: clinical testing. Allele origin: germline.
Comment: This variant is not present in population databases (gnomAD no frequency). This sequence change replaces serine, which is neutral and polar, with arginine, which is basic and polar, at codon 1814 of the DSP protein (p.Ser1814Arg). This variant has not been reported in the literature in individuals affected with DSP-related conditions. Algorithms developed to predict the effect of missense changes on protein structure and function are either unavailable or do not agree on the potential impact of this missense change (SIFT: "Deleterious"; PolyPhen-2: "Benign"; Align-GVGD: "Class C0"). In summary, the available evidence is currently insufficient to determine the role of this variant in disease. Therefore, it has been classified as a Variant of Uncertain Significance.

NM_004415.4(DSP):c.5442C>A (p.Ser1814Arg)

Gene: DSP (desmoplakin; plus strand). Cytogenetic location: 6p24.3.
Variant type: single nucleotide variant.
Coding change: c.5442C>A on transcript NM_004415.4 (MANE Select); coding-DNA position 5442, C replaced by A.
Protein change: p.Ser1814Arg; replaces serine 1814 with arginine.
Molecular consequence: missense variant.
Genome position (GRCh38, 1-based): chr6:7,582,704, C>A. VCF-style: chr6-7582704-C-A. GRCh37 (hg19) VCF-style: chr6-7582937-C-A.
Other names: c.3645C>A, p.Ser1215Arg (NM_001008844.3); c.4113C>A, p.Ser1371Arg (NM_001319034.2); short protein forms S1371R, S1814R, S1215R.
Identifiers: ClinVar variation 1392061 (VCV001392061.6), dbSNP rs2113697874, ClinGen allele CA362688632.